The following is an entry in ClinVar:

NM_002016.2(FLG):c.8307G>C (p.Gln2769His)

Genes: CCDST (cervical cancer associated DHX9 suppressive transcript; plus strand), FLG (filaggrin; minus strand). Cytogenetic location: 1q21.3.
Variant type: single nucleotide variant.
Coding change: c.8307G>C on transcript NM_002016.2 (MANE Select); coding-DNA position 8307, G replaced by C.
Protein change: p.Gln2769His; replaces glutamine 2769 with histidine.
Molecular consequence: missense variant.
Genome position (GRCh38, 1-based): chr1:152,306,579, C>G on the plus strand (G>C on the coding strand, the complement: FLG is on the minus strand). VCF-style: chr1-152306579-C-G. GRCh37 (hg19) VCF-style: chr1-152279055-C-G.
Other names: short protein forms Q2769H.
Identifiers: ClinVar variation 1805365 (VCV001805365.1), dbSNP rs1272904816, ClinGen allele CA342038651.

ClinVar aggregate classification (germline): Uncertain significance (1 of 4 stars; one submission).

Conditions:
Autosomal dominant ichthyosis vulgaris. Identifiers: MedGen C0432300, MONDO:0007810.

Submission:

Victorian Clinical Genetics Services, Murdoch Childrens Research Institute
Classification: Uncertain significance for Autosomal dominant ichthyosis vulgaris. Last evaluated: 2020-05-25. Review status: criteria provided, single submitter. Criteria: ACMG Guidelines, 2015. Collection method: clinical testing. Allele origin: germline. Inheritance: Autosomal dominant inheritance. Affected: yes.
Comment: Based on the classification scheme VCGS_Germline_v1.1.1, this variant is classified as 3C - VUS. Following criteria are met: 0102 - Loss-of-function is a known mechanism of disease for this gene. (N) 0107 - This gene is known to be associated with autosomal dominant disease. (N) 0112 - Variants in this gene are known to have reduced penetrance (PMID:17291859, 30681730). (N) 0200 - Variant is predicted to result in a missense amino acid change from a glutamine to a histidine (exon 3). (N) 0251 - Variant is heterozygous. (N) 0302 - Variant is present in gnomAD <0.001 for a dominant condition (2 heterozygotes, 0 homozygotes). (P) 0503 - Missense variant consistently predicted to be tolerated or not conserved in mammals with a minor amino acid change. (B) 0504 - Same amino acid change has been observed in mammals. (B) 0604 - Variant is not located in an established domain, motif, hotspot or informative constraint region. (N) 0705 - No comparable variants have previous evidence for pathogenicity. (N) 0807 - Variant has not previously been reported in a clinical context. (N) 0905 - No segregation evidence has been identified for this variant. (N) 1007 - No published functional evidence has been identified for this variant. (N) 1208 - Inheritance information for this variant is not currently available. (N) Legend: (P) - Pathogenic, (N) - Neutral, (B) - Benign

Literature cited by the submitters: PubMed 17291859; PubMed 30681730.